The following is an entry in ClinVar:

ClinVar aggregate classification (germline): Uncertain significance (1 of 4 stars; one submission).

Conditions:
Emery-Dreifuss muscular dystrophy 4, autosomal dominant (EDMD4). Also called: EMERY-DREIFUSS MUSCULAR DYSTROPHY 4 WITH VARIABLE FEATURES. Identifiers: Orphanet 261, MedGen C2751807, MONDO:0013071, OMIM 612998.
Autosomal recessive ataxia, Beauce type. Also called: SYNE1-Related Autosomal Recessive Cerebellar Ataxia; Spinocerebellar ataxia, autosomal recessive 8; ATAXIA, RECESSIVE, OF BEAUCE; SYNE1 Deficiency. Identifiers: Orphanet 88644, MedGen C1853116, MONDO:0012549, OMIM 610743.

Allele frequency attached by ClinVar (database versions not stated): gnomAD below 0.00001 and 0.00001; TOPMed 0.00001; gnomAD exomes 0.00002; ExAC 0.00003.
gnomAD v4.1: 23 of 1,613,850 alleles (0.0014%); highest among the groups gnomAD compares: South Asian, 0.022%; no homozygotes.

Submission:

Labcorp Genetics (formerly Invitae), Labcorp
Classification: Uncertain significance for Emery-Dreifuss muscular dystrophy 4, autosomal dominant; Autosomal recessive ataxia, Beauce type. Last evaluated: 2024-02-24. Review status: criteria provided, single submitter. Criteria: Invitae Variant Classification Sherloc (09022015). Collection method: clinical testing. Allele origin: germline.
Comment: This sequence change replaces glutamic acid, which is acidic and polar, with lysine, which is basic and polar, at codon 5270 of the SYNE1 protein (p.Glu5270Lys). This variant is present in population databases (rs765080592, gnomAD 0.02%). This variant has not been reported in the literature in individuals affected with SYNE1-related conditions. ClinVar contains an entry for this variant (Variation ID: 471002). Algorithms developed to predict the effect of missense changes on protein structure and function output the following: SIFT: "Not Available"; PolyPhen-2: "Benign"; Align-GVGD: "Not Available". The lysine amino acid residue is found in multiple mammalian species, which suggests that this missense change does not adversely affect protein function. In summary, the available evidence is currently insufficient to determine the role of this variant in disease. Therefore, it has been classified as a Variant of Uncertain Significance.

NM_182961.4(SYNE1):c.16021G>A (p.Glu5341Lys)

Gene: SYNE1 (spectrin repeat containing nuclear envelope protein 1; minus strand). Cytogenetic location: 6q25.2.
Variant type: single nucleotide variant.
Coding change: c.16021G>A on transcript NM_182961.4 (MANE Select); coding-DNA position 16021, G replaced by A.
Protein change: p.Glu5341Lys; replaces glutamic acid 5341 with lysine.
Molecular consequence: missense variant.
Genome position (GRCh38, 1-based): chr6:152,321,783, C>T on the plus strand (G>A on the coding strand, the complement: SYNE1 is on the minus strand). VCF-style: chr6-152321783-C-T. GRCh37 (hg19) VCF-style: chr6-152642918-C-T.
Other names: c.15808G>A, p.Glu5270Lys (NM_033071.5); short protein forms E5270K, E5341K.
Identifiers: ClinVar variation 471002 (VCV000471002.10), dbSNP rs765080592, ClinGen allele CA4055629.